The following is an entry in ClinVar:

NM_206933.4(USH2A):c.8558+40C>A

Gene: USH2A (usherin; minus strand). Cytogenetic location: 1q41.
Variant type: single nucleotide variant.
Coding change: c.8558+40C>A on transcript NM_206933.4 (MANE Select); 40 bases into the intron after coding-DNA position 8558, C replaced by A.
Molecular consequence: intron variant.
Genome position (GRCh38, 1-based): chr1:215,878,724, G>T on the plus strand (C>A on the coding strand, the complement: USH2A is on the minus strand). VCF-style: chr1-215878724-G-T. GRCh37 (hg19) VCF-style: chr1-216052066-G-T.
Identifiers: ClinVar variation 403599 (VCV000403599.16), dbSNP rs55713064, ClinGen allele CA1394581.

ClinVar aggregate classification (germline): Benign. Review status: criteria provided, multiple submitters, no conflicts (2 of 4 stars). 6 submissions from 5 submitters: Benign (6). Last evaluated 2025-06-03.

Conditions:
Usher syndrome type 2A. Also called: RETINAL DISEASE IN USHER SYNDROME TYPE IIA, MODIFIER OF; USHER SYNDROME, TYPE IIA. Identifiers: Orphanet 231178, Orphanet 886, MedGen C1848634, MONDO:0010169, OMIM 276901.
Retinitis pigmentosa 39 (RP39). Identifiers: Orphanet 791, MedGen C3151138, MONDO:0013436, OMIM 613809.

Allele frequency attached by ClinVar (database versions not stated): 1000 Genomes Project 0.00539; 1000 Genomes Project 30x 0.00547; gnomAD 0.00761 and 0.00762; TOPMed 0.00800; ESP Exome Variant Server 0.00853; gnomAD exomes 0.00859 and 0.01017; ExAC 0.00978.
gnomAD v4.1: 15,780 of 1,592,782 alleles (0.99%); highest among the groups gnomAD compares: Middle Eastern, 1.3%; 104 homozygotes.

Submissions (6):

Labcorp Genetics (formerly Invitae), Labcorp
Classification: Benign. Last evaluated: 2025-06-03. Review status: criteria provided, single submitter. Criteria: Invitae Variant Classification Sherloc (09022015). Collection method: clinical testing. Allele origin: germline.

Genome-Nilou Lab
Classification: Benign for Retinitis pigmentosa 39. Last evaluated: 2023-04-11. Review status: criteria provided, single submitter. Criteria: ACMG Guidelines, 2015. Collection method: clinical testing. Allele origin: germline. Affected: no.

Genome-Nilou Lab
Classification: Benign for Usher syndrome type 2A. Last evaluated: 2023-04-11. Review status: criteria provided, single submitter. Criteria: ACMG Guidelines, 2015. Collection method: clinical testing. Allele origin: germline. Affected: no.

Laboratory for Molecular Medicine, Mass General Brigham Personalized Medicine
Classification: Benign. Last evaluated: 2016-04-25. Review status: criteria provided, single submitter. Criteria: LMM Criteria. Collection method: clinical testing. Allele origin: germline.
Comment: Variant identified in a genome or exome case(s) and assessed due to predicted null impact of the variant or pathogenic assertions in the literature or databases. Disclaimer: This variant has not undergone full assessment. The following are preliminary notes: Frequency too high for disorder - 1.4% of European chromosomes in ExAC

GeneDx
Classification: Benign. Last evaluated: 2015-03-03. Review status: criteria provided, single submitter. Criteria: GeneDx Variant Classification Process June 2021. Collection method: clinical testing. Allele origin: germline. Affected: yes.

Breakthrough Genomics
Classification: Benign. Review status: criteria provided, single submitter. Criteria: ACMG Guidelines, 2015. Collection method: not provided. Allele origin: germline. Inheritance: Autosomal recessive inheritance. Affected: yes.